The following is an entry in ClinVar:

NM_003839.4(TNFRSF11A):c.1814C>T (p.Ser605Leu)

Gene: TNFRSF11A (TNF receptor superfamily member 11a; plus strand). Cytogenetic location: 18q21.33.
Variant type: single nucleotide variant.
Coding change: c.1814C>T on transcript NM_003839.4 (MANE Select); coding-DNA position 1814, C replaced by T.
Protein change: p.Ser605Leu; replaces serine 605 with leucine.
Molecular consequence: missense variant. On other transcripts: 3 prime UTR variant (1).
Genome position (GRCh38, 1-based): chr18:62,384,997, C>T. VCF-style: chr18-62384997-C-T. GRCh37 (hg19) VCF-style: chr18-60052230-C-T.
Other names: c.*238C>T (NM_001270949.2); c.977C>T, p.Ser326Leu (NM_001270950.2); c.863C>T, p.Ser288Leu (NM_001270951.2); c.1772C>T, p.Ser591Leu (NM_001278268.2); short protein forms S326L, S288L, S591L, S605L.
Identifiers: ClinVar variation 2186681 (VCV002186681.6), dbSNP rs985196653, ClinGen allele CA301714824.
Genomic context (GRCh38, chr18:62,384,997, plus strand): 5'-GCCCGCGCTTCCCGGACCCGTGCGGCGGCCCCGAGGGGCTGCGGGAGCCGGAGAAGGCCT[C>T]GAGGCCGGTGCAGGAGCAAGGCGGGGCCAAGGCTTGAGCGCCCCCCATGGCTGGGAGCCC-3'
Protein context (NP_003830.1, residues 595-615): PEGLREPEKA[Ser605Leu]RPVQEQGGAK

ClinVar aggregate classification (germline): Uncertain significance. Review status: criteria provided, multiple submitters, no conflicts (2 of 4 stars). 2 submissions from 2 submitters: Uncertain significance (2). Last evaluated 2023-11-19.

Conditions:
Inborn genetic diseases. Identifiers: MedGen C0950123, MeSH D030342.

Allele frequency attached by ClinVar (database versions not stated): gnomAD 0.00004; TOPMed 0.00005.
gnomAD v4.1: 35 of 1,475,772 alleles (0.0024%); highest among the groups gnomAD compares: Non-Finnish European, 0.0029%; no homozygotes.

Submissions (2):

Labcorp Genetics (formerly Invitae), Labcorp
Classification: Uncertain significance. Last evaluated: 2023-11-19. Review status: criteria provided, single submitter. Criteria: Invitae Variant Classification Sherloc (09022015). Collection method: clinical testing. Allele origin: germline.
Comment: This sequence change replaces serine, which is neutral and polar, with leucine, which is neutral and non-polar, at codon 605 of the TNFRSF11A protein (p.Ser605Leu). The frequency data for this variant in the population databases is considered unreliable, as metrics indicate poor data quality at this position in the gnomAD database. This variant has not been reported in the literature in individuals affected with TNFRSF11A-related conditions. ClinVar contains an entry for this variant (Variation ID: 2186681). An algorithm developed to predict the effect of missense changes on protein structure and function (PolyPhen-2) suggests that this variant is likely to be tolerated. In summary, the available evidence is currently insufficient to determine the role of this variant in disease. Therefore, it has been classified as a Variant of Uncertain Significance.

Ambry Genetics
Classification: Uncertain significance for Inborn genetic diseases. Last evaluated: 2023-07-25. Review status: criteria provided, single submitter. Criteria: Ambry Variant Classification Scheme 2023. Collection method: clinical testing. Allele origin: germline.